The following is an entry in ClinVar:

NM_006767.4(LZTR1):c.2103C>G (p.Pro701=)

Gene: LZTR1 (leucine zipper like post translational regulator 1; plus strand). Cytogenetic location: 22q11.21.
Variant type: single nucleotide variant.
Coding change: c.2103C>G on transcript NM_006767.4 (MANE Select); coding-DNA position 2103, C replaced by G.
Protein change: p.Pro701=; no amino-acid change (proline 701 retained).
Molecular consequence: synonymous variant.
Genome position (GRCh38, 1-based): chr22:20,995,996, C>G. VCF-style: chr22-20995996-C-G. GRCh37 (hg19) VCF-style: chr22-21350285-C-G.
Identifiers: ClinVar variation 704259 (VCV000704259.41), dbSNP rs139080986, ClinGen allele CA10119247.

ClinVar aggregate classification (germline): Benign/Likely benign. Review status: criteria provided, multiple submitters, no conflicts (2 of 4 stars). 7 submissions from 7 submitters: Benign (3); Likely benign (3). 1 of the submissions does not count toward it. Last evaluated 2026-09-01.

Conditions:
LZTR1-related disorder. Also called: LZTR1-related disorders; LZTR1-related condition.
LZTR1-related schwannomatosis. Also called: Schwannomatosis-2, susceptibility to; Schwannomatosis 2. Identifiers: Orphanet 93921, MedGen C3810283, MONDO:0014299, OMIM 615670.
Noonan syndrome 2 (NS2). Identifiers: Orphanet 648, MedGen C1854469, MONDO:0011531, OMIM 605275.
Noonan syndrome 10 (NS10). Identifiers: Orphanet 648, MedGen C4225280, MONDO:0014693, OMIM 616564.
Hereditary cancer-predisposing syndrome. Also called: Neoplastic Syndromes, Hereditary; Hereditary neoplastic syndrome; Hereditary Cancer Syndrome; Tumor predisposition. Identifiers: Orphanet 140162, MedGen C0027672, MeSH D009386, MONDO:0015356.
Cardiovascular phenotype. Identifiers: MedGen CN230736.

Allele frequency attached by ClinVar (database versions not stated): 1000 Genomes Project 30x 0.00047; 1000 Genomes Project 0.00060; TOPMed 0.00062.
gnomAD v4.1: 204 of 1,613,720 alleles (0.013%); highest among the groups gnomAD compares: East Asian, 0.38%; no homozygotes.

Submissions (7):

CeGaT Center for Human Genetics Tuebingen
Classification: Likely benign. Last evaluated: 2026-09-01. Review status: criteria provided, single submitter. Criteria: CeGaT Center For Human Genetics Tuebingen Variant Classification Criteria Version 2. Collection method: clinical testing. Allele origin: germline. Affected: yes. Observed: 4 variant alleles.
Comment: LZTR1: BP4, BP7

Labcorp Genetics (formerly Invitae), Labcorp
Classification: Benign. Last evaluated: 2026-02-03. Review status: criteria provided, single submitter. Criteria: Invitae Variant Classification Sherloc (09022015). Collection method: clinical testing. Allele origin: germline.

Blueprint Genetics
Classification: Likely benign. Last evaluated: 2024-10-31. Review status: criteria provided, single submitter. Criteria: ACMG Guidelines, 2015. Collection method: clinical testing. Allele origin: germline.

Department of Pathology and Laboratory Medicine, Sinai Health System
Classification: Benign for Noonan syndrome 2; LZTR1-related schwannomatosis; Noonan syndrome 10. Last evaluated: 2023-03-07. Review status: criteria provided, single submitter. Criteria: ACMG Guidelines, 2015. Collection method: clinical testing. Allele origin: germline. Affected: yes.

Women's Health and Genetics/Laboratory Corporation of America, LabCorp
Classification: Benign. Last evaluated: 2020-09-16. Review status: criteria provided, single submitter. Criteria: LabCorp Variant Classification Summary - May 2015. Collection method: clinical testing. Allele origin: germline.
Comment: Variant summary: LZTR1 c.2103C>G alters a non-conserved nucleotide resulting in a synonymous change. 4/4 computational tools predict no significant impact on normal splicing. However, these predictions have yet to be confirmed by functional studies. The variant allele was found at a frequency of 0.00045 in 282652 control chromosomes, predominantly at a frequency of 0.0061 within the East Asian subpopulation in the gnomAD database, including 1 homozygote. The observed variant frequency within East Asian control individuals in the gnomAD database is approximately 1220 fold of the estimated maximal expected allele frequency for a pathogenic variant in LZTR1 causing Noonan Syndrome phenotype (5e-06), strongly suggesting that the variant is a benign polymorphism found primarily in populations of East Asian origin. To our knowledge, no occurrence of c.2103C>G in individuals affected with Noonan Syndrome and no experimental evidence demonstrating its impact on protein function have been reported. One ClinVar submitter (evaluation after 2014) cites the variant as benign. Based on the evidence outlined above, the variant was classified as benign.

Ambry Genetics
Classification: Likely benign for Cardiovascular phenotype; Hereditary cancer-predisposing syndrome. Last evaluated: 2020-08-14. Review status: criteria provided, single submitter. Criteria: Ambry Variant Classification Scheme 2023. Collection method: clinical testing. Allele origin: germline.

PreventionGenetics, part of Exact Sciences
Classification: Benign for LZTR1-related condition. Last evaluated: 2023-03-22. Review status: no assertion criteria provided. Collection method: clinical testing. Allele origin: germline. Not counted in ClinVar's aggregate classification.
Comment: This variant is classified as benign based on ACMG/AMP sequence variant interpretation guidelines (Richards et al. 2015 PMID: 25741868, with internal and published modifications).